The following is an entry in ClinVar:

NM_000090.4(COL3A1):c.880G>A (p.Gly294Arg)

Gene: COL3A1 (collagen type III alpha 1 chain; plus strand). Cytogenetic location: 2q32.2.
Variant type: single nucleotide variant.
Coding change: c.880G>A on transcript NM_000090.4 (MANE Select); coding-DNA position 880, G replaced by A.
Protein change: p.Gly294Arg; replaces glycine 294 with arginine.
Molecular consequence: missense variant.
Genome position (GRCh38, 1-based): chr2:188,991,514, G>A. VCF-style: chr2-188991514-G-A. GRCh37 (hg19) VCF-style: chr2-189856240-G-A.
Other names: c.880G>A (NM_000090.3); short protein forms G294R.
Identifiers: ClinVar variation 1469491 (VCV001469491.9), dbSNP rs2153502094, ClinGen allele CA349849922.
Genomic context (GRCh38, chr2:188,991,514, plus strand): 5'-TGTAAAATAGTAACATATTTTATATGTATCTAGGGTGAAAATGGTCTTCCAGGCGAAAAT[G>A]GAGCTCCTGGACCCATGGTAATTATGTTTCTTATGTATAATTTTCAGTTTTATTATTAAC-3'
Protein context (NP_000081.2, residues 284-304): KGENGLPGEN[Gly294Arg]APGPMGPRGA

ClinVar aggregate classification (germline): Likely pathogenic. Review status: criteria provided, multiple submitters, no conflicts (2 of 4 stars). 4 submissions from 4 submitters: Likely pathogenic (4). Last evaluated 2025-05-06.

Conditions:
Ehlers-Danlos syndrome, type 4 (EDSVASC). Also called: Ehlers-Danlos syndrome vascular type; Ehlers Danlos syndrome, ecchymotic type; Ehlers Danlos syndrome, arterial type; Ehlers Danlos syndrome, Sack-Barabas type; Ehlers-Danlos Syndrome Type IV. Identifiers: Orphanet 286, MedGen C0268338, MONDO:0017314, OMIM 130050.
Familial thoracic aortic aneurysm and aortic dissection (TAAD). Also called: Thoracic aortic aneurysms and dissections. Identifiers: Orphanet 91387, MedGen C4707243, MONDO:0019625.

Submissions (4):

Ambry Genetics
Classification: Likely pathogenic for Familial thoracic aortic aneurysm and aortic dissection. Last evaluated: 2025-05-06. Review status: criteria provided, single submitter. Criteria: Ambry Variant Classification Scheme 2023. Collection method: clinical testing. Allele origin: germline.
Comment: The p.G294R variant (also known as c.880G>A), located in coding exon 12 of the COL3A1 gene, results from a G to A substitution at nucleotide position 880. The glycine at codon 294 is replaced by arginine, an amino acid with dissimilar properties. The majority (approximately two-thirds) ofCOL3A1mutations identified to date have involved the substitution of another amino acid for glycine within the triple-helical domain (PepinMG et al.GenetMed.2014;16(12):881-8; Frank M et al.Eur J Hum Genet. 2015;23(12):1657-64). Internal structural analysis indicates that this alteration disrupts the characteristic G-X-Y motif in theCOL3A1protein and inserts a bulky side chain into asterically-constrainedregion (Bella J et al.Science.1994;266:75-81;HohenesterE et al.Proc. Natl.Acad. Sci. U.S.A.2008;105:18273-7; Ambry internal data). This amino acid position is highly conserved in available vertebrate species. In addition, this alteration is predicted to be deleterious by in silico analysis. This variant is considered to be rare based on population cohorts in the Genome Aggregation Database (gnomAD). Based on the majority of available evidence to date, this variant is likely to be pathogenic.

Color Diagnostics, LLC DBA Color Health
Classification: Likely pathogenic for Familial thoracic aortic aneurysm and aortic dissection. Last evaluated: 2024-10-15. Review status: criteria provided, single submitter. Criteria: ACMG Guidelines, 2015. Collection method: clinical testing. Allele origin: germline.
Comment: This missense variant replaces glycine with arginine at codon 294 of the COL3A1 protein. This variant changes one of the conserved glycine residues within the Gly-Xaa-Yaa repeat motifs of the triple helical domain of the COL3A1 protein. Conserved glycine residues within the Gly-Xaa-Yaa repeats are required for the structural stability of fibrillar collagens (PMID: 7695699, 8218237, 19344236), and missense variants occurring at these glycine residues have been associated with disease (PMID: 24922459, 25758994). Computational prediction suggests that this variant may have deleterious impact on protein structure and function. To our knowledge, functional studies have not been reported for this variant. This variant has not been reported in individuals affected with COL3A1-related disorders in the literature. This variant has not been identified in the general population by the Genome Aggregation Database (gnomAD). Based on the available evidence, this variant is classified as Likely Pathogenic.

All of Us Research Program, National Institutes of Health
Classification: Likely pathogenic for Ehlers-Danlos syndrome, type 4. Last evaluated: 2024-09-02. Review status: criteria provided, single submitter. Criteria: ACMG Guidelines, 2015. Collection method: clinical testing. Allele origin: germline. Inheritance: Autosomal dominant inheritance. Observed: 1 variant allele, 1 heterozygote.
Comment: The c.880G>A (p.Gly294Arg) variant in COL3A1 gene affects a conserved glycine residue. Changes to glycine in COL3A1 protein are significantly enriched in individuals with COL3A1-related conditions (PMID: 24922459, 25758994). Glycine residues within the Gly-X-Y repeats of the triple helix domain are required for the structure and stability of fibrillar collagens (PMID: 7695699, 8218237, 19344236). This variant has not been reported in individuals affected with Ehlers-Danlos syndrome or other COL3A1 related phenotypes. In-silico computational prediction tools suggest that the p.Gly294Arg variant may have deleterious effect on the protein function (REVEL score: 0.989). This variant is absent in the general population database gnomAD (v2.1.1). Therefore, the c.880G>A (p.Gly294Arg) variant in COL3A1 is classified as likely pathogenic.

This study involves interpretation of variants in research participants for the purpose of population health screening. Participant phenotype was not available at the time of variant classification. Additional details can be found in publication PMID: 35346344, PMCID: PMC8962531

Labcorp Genetics (formerly Invitae), Labcorp
Classification: Likely pathogenic for Ehlers-Danlos syndrome, type 4. Last evaluated: 2021-12-15. Review status: criteria provided, single submitter. Criteria: Invitae Variant Classification Sherloc (09022015). Collection method: clinical testing. Allele origin: germline.
Comment: This variant disrupts the triple helix domain of COL3A1. Glycine residues within the Gly-Xaa-Yaa repeats of the triple helix domain are required for the structure and stability of fibrillar collagens (PMID: 7695699, 8218237, 19344236). In COL3A1, variants that affect these glycine residues are significantly enriched in individuals with disease (PMID: 24922459, 25758994) compared to the general population (ExAC). In summary, the currently available evidence indicates that the variant is pathogenic, but additional data are needed to prove that conclusively. Therefore, this variant has been classified as Likely Pathogenic. Advanced modeling of protein sequence and biophysical properties (such as structural, functional, and spatial information, amino acid conservation, physicochemical variation, residue mobility, and thermodynamic stability) performed at Invitae indicates that this missense variant is expected to disrupt COL3A1 protein function. This variant has not been reported in the literature in individuals affected with COL3A1-related conditions. This variant is not present in population databases (gnomAD no frequency). This sequence change replaces glycine, which is neutral and non-polar, with arginine, which is basic and polar, at codon 294 of the COL3A1 protein (p.Gly294Arg).

Literature cited by the submitters: PubMed 7695699 (cited by 3 submitters); PubMed 8218237 (cited by 3 submitters); PubMed 19344236 (cited by 3 submitters); PubMed 24922459 (cited by 3 submitters); PubMed 25758994 (cited by 3 submitters).